The following is an entry in ClinVar:

ClinVar aggregate classification (germline): Uncertain significance. Review status: criteria provided, multiple submitters, no conflicts (2 of 4 stars). 8 submissions from 8 submitters: Uncertain significance (8). Last evaluated 2025-03-06.

Conditions:
Inborn genetic diseases. Identifiers: MedGen C0950123, MeSH D030342.
Cortical dysplasia-focal epilepsy syndrome (PTHSL1). Also called: Pitt-Hopkins-like syndrome 1. Identifiers: Orphanet 163681, Orphanet 221150, MedGen C2750246, MONDO:0012400, OMIM 610042.
Autism, susceptibility to, 15. Also called: Autism susceptibility 15. Identifiers: MedGen C2677504, MONDO:0012801, OMIM 612100.

Allele frequency attached by ClinVar (database versions not stated): gnomAD 0.00019; gnomAD exomes 0.00025 and 0.00038; TOPMed 0.00028; ESP Exome Variant Server 0.00031; ExAC 0.00033.
gnomAD v4.1: 574 of 1,613,780 alleles (0.036%); highest among the groups gnomAD compares: Non-Finnish European, 0.046%; no homozygotes.

Submissions (8):

Ambry Genetics
Classification: Uncertain significance for Inborn genetic diseases. Last evaluated: 2025-03-06. Review status: criteria provided, single submitter. Criteria: Ambry Variant Classification Scheme 2023. Collection method: clinical testing. Allele origin: germline.

GeneDx
Classification: Uncertain significance. Last evaluated: 2025-01-22. Review status: criteria provided, single submitter. Criteria: GeneDx Variant Classification Process June 2021. Collection method: clinical testing. Allele origin: germline. Affected: yes.
Comment: Previously reported in the heterozygous state in an individual with classic lissencephaly who also had a de novo variant in the KIF2A gene that may have been responsible for the phenotype; parental testing for the E596K variant in the CNTNAP2 gene was not performed (PMID: 27747449); In silico analysis indicates that this missense variant does not alter protein structure/function; This variant is associated with the following publications: (PMID: 27747449)

Blueprint Genetics
Classification: Uncertain significance. Last evaluated: 2024-11-13. Review status: criteria provided, single submitter. Criteria: ACMG Guidelines, 2015. Collection method: clinical testing. Allele origin: germline.

CeGaT Center for Human Genetics Tuebingen
Classification: Uncertain significance. Last evaluated: 2024-02-01. Review status: criteria provided, single submitter. Criteria: CeGaT Center For Human Genetics Tuebingen Variant Classification Criteria Version 2. Collection method: clinical testing. Allele origin: germline. Affected: yes. Observed: 1 variant allele.

Labcorp Genetics (formerly Invitae), Labcorp
Classification: Uncertain significance for Cortical dysplasia-focal epilepsy syndrome. Last evaluated: 2022-07-25. Review status: criteria provided, single submitter. Criteria: Invitae Variant Classification Sherloc (09022015). Collection method: clinical testing. Allele origin: germline.
Comment: This sequence change replaces glutamic acid, which is acidic and polar, with lysine, which is basic and polar, at codon 596 of the CNTNAP2 protein (p.Glu596Lys). This variant is present in population databases (rs141064983, gnomAD 0.04%). This variant has not been reported in the literature in individuals affected with CNTNAP2-related conditions. ClinVar contains an entry for this variant (Variation ID: 205248). Algorithms developed to predict the effect of missense changes on protein structure and function are either unavailable or do not agree on the potential impact of this missense change (SIFT: "Deleterious"; PolyPhen-2: "Benign"; Align-GVGD: "Class C0"). In summary, the available evidence is currently insufficient to determine the role of this variant in disease. Therefore, it has been classified as a Variant of Uncertain Significance.

Fulgent Genetics
Classification: Uncertain significance for Cortical dysplasia-focal epilepsy syndrome; Autism, susceptibility to, 15. Last evaluated: 2021-08-26. Review status: criteria provided, single submitter. Criteria: ACMG Guidelines, 2015. Collection method: clinical testing. Allele origin: unknown.

Illumina Laboratory Services, Illumina
Classification: Uncertain significance for Cortical dysplasia-focal epilepsy syndrome. Last evaluated: 2018-01-13. Review status: criteria provided, single submitter. Criteria: ICSL Variant Classification Criteria 13 December 2019. Collection method: clinical testing. Allele origin: germline.

Genetic Services Laboratory, University of Chicago
Classification: Uncertain significance. Last evaluated: 2014-07-07. Review status: criteria provided, single submitter. Criteria: ACMG Guidelines, 2015. Collection method: clinical testing. Allele origin: germline.

Literature cited by the submitters: PubMed 26350204 (cited by Ambry Genetics); PubMed 27747449 (cited by Ambry Genetics).

NM_014141.6(CNTNAP2):c.1786G>A (p.Glu596Lys)

Gene: CNTNAP2 (contactin associated protein 2; plus strand). Cytogenetic location: 7q35.
Variant type: single nucleotide variant.
Coding change: c.1786G>A on transcript NM_014141.6 (MANE Select); coding-DNA position 1786, G replaced by A.
Protein change: p.Glu596Lys; replaces glutamic acid 596 with lysine.
Molecular consequence: missense variant.
Genome position (GRCh38, 1-based): chr7:147,562,146, G>A. VCF-style: chr7-147562146-G-A. GRCh37 (hg19) VCF-style: chr7-147259238-G-A.
Other names: p.E596K:GAG>AAG; short protein forms E596K.
Identifiers: ClinVar variation 205248 (VCV000205248.50), dbSNP rs141064983, ClinGen allele CA314130.